The following is an entry in ClinVar:

NM_024642.5(GALNT12):c.497T>G (p.Ile166Ser)

Gene: GALNT12 (polypeptide N-acetylgalactosaminyltransferase 12; plus strand). Cytogenetic location: 9q22.33.
Variant type: single nucleotide variant.
Coding change: c.497T>G on transcript NM_024642.5 (MANE Select); coding-DNA position 497, T replaced by G.
Protein change: p.Ile166Ser; replaces isoleucine 166 with serine.
Molecular consequence: missense variant.
Genome position (GRCh38, 1-based): chr9:98,823,381, T>G. VCF-style: chr9-98823381-T-G. GRCh37 (hg19) VCF-style: chr9-101585663-T-G.
Other names: short protein forms I166S.
Identifiers: ClinVar variation 4826981 (VCV004826981.1).

ClinVar aggregate classification (germline): Uncertain significance (1 of 4 stars; one submission).

Submission:

Ambry Genetics
Classification: Uncertain significance. Last evaluated: 2026-03-01. Review status: criteria provided, single submitter. Criteria: Ambry Variant Classification Scheme 2023. Collection method: clinical testing. Allele origin: germline.
Comment: The p.I166S variant (also known as c.497T>G), located in coding exon 2 of the GALNT12 gene, results from a T to G substitution at nucleotide position 497. The isoleucine at codon 166 is replaced by serine, an amino acid with dissimilar properties. This amino acid position is conserved. In addition, this alteration is predicted to be tolerated by in silico analysis. Based on the available evidence, the clinical significance of this variant remains unclear.